The following is an entry in ClinVar:

NM_001013615.3(LURAP1):c.620A>G (p.Gln207Arg)

Genes: LURAP1 (leucine rich adaptor protein 1; plus strand), POMGNT1 (protein O-linked mannose N-acetylglucosaminyltransferase 1 (beta 1,2-); minus strand). Cytogenetic location: 1p34.1.
Variant type: single nucleotide variant.
Coding change: c.620A>G on transcript NM_001013615.3 (MANE Select); coding-DNA position 620, A replaced by G.
Protein change: p.Gln207Arg; replaces glutamine 207 with arginine.
Molecular consequence: missense variant. On other transcripts: 5 prime UTR variant (1).
Genome position (GRCh38, 1-based): chr1:46,220,120, A>G. VCF-style: chr1-46220120-A-G. GRCh37 (hg19) VCF-style: chr1-46685792-A-G.
Other names: c.-466T>C (NM_001243766.2); short protein forms Q207R.
Identifiers: ClinVar variation 403064 (VCV000403064.6), dbSNP rs62620990, ClinGen allele CA834060.

ClinVar aggregate classification (germline): Benign. Review status: criteria provided, multiple submitters, no conflicts (2 of 4 stars). 2 submissions from 2 submitters: Benign (2). Last evaluated 2016-03-28.

Allele frequency attached by ClinVar (database versions not stated): TOPMed 0.02501; gnomAD exomes 0.02604; ExAC 0.02654; 1000 Genomes Project 0.01298; gnomAD 0.02539 and 0.02606; 1000 Genomes Project 30x 0.01405; ESP Exome Variant Server 0.03268.
gnomAD v4.1: 55,725 of 1,614,194 alleles (3.5%); highest among the groups gnomAD compares: Middle Eastern, 6.3%; 1,132 homozygotes.

Submissions (2):

Laboratory for Molecular Medicine, Mass General Brigham Personalized Medicine
Classification: Benign. Last evaluated: 2016-03-28. Review status: criteria provided, single submitter. Criteria: LMM Criteria. Collection method: clinical testing. Allele origin: germline.
Comment: Variant identified in a genome or exome case(s) and assessed due to predicted null impact of the variant or pathogenic assertions in the literature or databases. Disclaimer: This variant has not undergone full assessment. The following are preliminary notes: Frequency in ESP (all): 425/13006=3.2%

Breakthrough Genomics
Classification: Benign. Review status: criteria provided, single submitter. Criteria: ACMG Guidelines, 2015. Collection method: not provided. Allele origin: germline. Inheritance: Unknown mechanism. Affected: yes.